The following is an entry in ClinVar:

ClinVar aggregate classification (germline): Pathogenic (1 of 4 stars; one submission).

Conditions:
Long QT syndrome 1 (LQT1). Identifiers: Orphanet 101016, Orphanet 768, MedGen C4551647, MONDO:0100316, OMIM 192500, MONDO:0008646.

Submission:

MVZ Martinsried, Medicover Genetics
Classification: Pathogenic for Long QT syndrome 1. Last evaluated: 2018-12-14. Review status: criteria provided, single submitter. Criteria: ACMG Guidelines, 2015. Collection method: clinical testing. Allele origin: unknown. Affected: yes.

NM_000218.3(KCNQ1):c.1685+2T>C

Gene: KCNQ1 (potassium voltage-gated channel subfamily Q member 1; plus strand). Cytogenetic location: 11p15.5.
Variant type: single nucleotide variant.
Coding change: c.1685+2T>C on transcript NM_000218.3 (MANE Select); the canonical splice donor site of the intron after coding-DNA position 1685, T replaced by C.
Molecular consequence: splice donor variant.
Genome position (GRCh38, 1-based): chr11:2,776,056, T>C. VCF-style: chr11-2776056-T-C. GRCh37 (hg19) VCF-style: chr11-2797286-T-C.
Other names: c.1415+2T>C (NM_001406837.1); c.1589+2T>C (NM_001406836.1); c.1145+2T>C (NM_001406838.1); c.1304+2T>C (NM_181798.2).
Identifiers: ClinVar variation 637975 (VCV000637975.4), dbSNP rs1590081467, ClinGen allele CA379139258.